The following is an entry in ClinVar:

NC_000012.12:g.121626830A>G

Genes: ORAI1 (ORAI calcium release-activated calcium modulator 1; plus strand), LOC130008987 (ATAC-STARR-seq lymphoblastoid silent region 4981; plus strand). Cytogenetic location: 12q24.31.
Variant type: single nucleotide variant.
Genome position: GRCh38 VCF-style: chr12-121626830-A-G. GRCh37 (hg19) VCF-style: chr12-122064735-A-G.
Other names: c.88A>G, p.Ser30Gly (NM_032790.4); short protein forms S30G.
Identifiers: ClinVar variation 1480656 (VCV001480656.7), dbSNP rs2136841468, ClinGen allele CA386980476.

ClinVar aggregate classification (germline): Uncertain significance. Review status: criteria provided, multiple submitters, no conflicts (2 of 4 stars). 2 submissions from 2 submitters: Uncertain significance (2). Last evaluated 2022-08-31.

Conditions:
Combined immunodeficiency due to ORAI1 deficiency. Also called: IMMUNODEFICIENCY 9. Identifiers: Orphanet 169090, Orphanet 317428, MedGen C2748568, MONDO:0013007, OMIM 612782.
Myopathy, tubular aggregate, 2 (TAM2). Identifiers: MedGen C4014557, MONDO:0014383, OMIM 615883.

Allele frequency attached by ClinVar (database versions not stated): gnomAD exomes below 0.00001.

Submissions (2):

Labcorp Genetics (formerly Invitae), Labcorp
Classification: Uncertain significance for Myopathy, tubular aggregate, 2; Combined immunodeficiency due to ORAI1 deficiency. Last evaluated: 2022-08-31. Review status: criteria provided, single submitter. Criteria: Invitae Variant Classification Sherloc (09022015). Collection method: clinical testing. Allele origin: germline.
Comment: This variant is not present in population databases (gnomAD no frequency). In summary, the available evidence is currently insufficient to determine the role of this variant in disease. Therefore, it has been classified as a Variant of Uncertain Significance. Experimental studies and prediction algorithms are not available or were not evaluated, and the functional significance of this variant is currently unknown. ClinVar contains an entry for this variant (Variation ID: 1480656). This variant has not been reported in the literature in individuals affected with ORAI1-related conditions. This sequence change replaces serine with glycine at codon 30 of the ORAI1 protein (p.Ser30Gly). The serine residue is weakly conserved and there is a small physicochemical difference between serine and glycine.

Breakthrough Genomics
Classification: Uncertain significance. Review status: criteria provided, single submitter. Criteria: ACMG Guidelines, 2015. Collection method: not provided. Allele origin: germline. Inheritance: Autosomal recessive inheritance. Affected: yes.